The following is an entry in ClinVar:

NM_002519.3(NPAT):c.2809C>T (p.Pro937Ser)

Gene: NPAT (nuclear protein, coactivator of histone transcription; minus strand). Cytogenetic location: 11q22.3.
Variant type: single nucleotide variant.
Coding change: c.2809C>T on transcript NM_002519.3 (MANE Select); coding-DNA position 2809, C replaced by T.
Protein change: p.Pro937Ser; replaces proline 937 with serine.
Molecular consequence: missense variant.
Genome position (GRCh38, 1-based): chr11:108,170,020, G>A on the plus strand (C>T on the coding strand, the complement: NPAT is on the minus strand). VCF-style: chr11-108170020-G-A. GRCh37 (hg19) VCF-style: chr11-108040747-G-A.
Other names: c.2809C>T, p.Pro937Ser (NM_001321307.1); short protein forms P937S.
Identifiers: ClinVar variation 1796295 (VCV001796295.4), dbSNP rs751161125, ClinGen allele CA382512185.

ClinVar aggregate classification (germline): Uncertain significance. Review status: criteria provided, multiple submitters, no conflicts (2 of 4 stars). 2 submissions from 2 submitters: Uncertain significance (2). Last evaluated 2025-11-03.

Submissions (2):

Labcorp Genetics (formerly Invitae), Labcorp
Classification: Uncertain significance. Last evaluated: 2025-11-03. Review status: criteria provided, single submitter. Criteria: Invitae Variant Classification Sherloc (09022015). Collection method: clinical testing. Allele origin: germline.
Comment: This sequence change replaces proline, which is neutral and non-polar, with serine, which is neutral and polar, at codon 937 of the NPAT protein (p.Pro937Ser). This variant is not present in population databases (gnomAD no frequency). This variant has not been reported in the literature in individuals affected with NPAT-related conditions. ClinVar contains an entry for this variant (Variation ID: 1796295). An algorithm developed to predict the effect of missense changes on protein structure and function (PolyPhen-2) suggests that this variant is likely to be disruptive. In summary, the available evidence is currently insufficient to determine the role of this variant in disease. Therefore, it has been classified as a Variant of Uncertain Significance.

Ambry Genetics
Classification: Uncertain significance. Last evaluated: 2023-07-27. Review status: criteria provided, single submitter. Criteria: Ambry Variant Classification Scheme 2023. Collection method: clinical testing. Allele origin: germline.
Comment: The p.P937S variant (also known as c.2809C>T), located in coding exon 14 of the NPAT gene, results from a C to T substitution at nucleotide position 2809. The proline at codon 937 is replaced by serine, an amino acid with similar properties. This amino acid position is conserved. In addition, the in silico prediction for this alteration is inconclusive. Since supporting evidence is limited at this time, the clinical significance of this alteration remains unclear.